The following is an entry in ClinVar:

ClinVar aggregate classification (germline): Likely benign (1 of 4 stars; one submission).

Conditions:
Lazy leukocyte syndrome. Identifiers: Orphanet 652522, MedGen C0272174, MONDO:0007883, OMIM 150550.

gnomAD v4.1: 29 of 1,393,074 alleles (0.0021%); highest among the groups gnomAD compares: South Asian, 0.0049%; no homozygotes.

Submission:

Centre for Medical Genetics,  Mumbai
Classification: Likely benign for Lazy leukocyte syndrome. Last evaluated: 2026-04-04. Review status: criteria provided, single submitter. Criteria: ACMG Guidelines, 2015. Collection method: provider interpretation. Allele origin: germline. Inheritance: Autosomal recessive inheritance. Affected: no. Observed: 1 variant allele, 1 homozygote.
Comment: The variant satisfies PM2 criteria; Extremely low frequency in gnomAD population databases. The variant satisfies BP7 criteria; Synonymous or non coding variant which is not located in a splice region and not predicted to have splice-altering consequence. However, the variant satisfies BS2 criteria.

Literature cited by the submitters: PubMed 27557945.

NM_017491.5(WDR1):c.229+22C>T

Gene: WDR1 (WD repeat domain 1; minus strand). Cytogenetic location: 4p16.1.
Variant type: single nucleotide variant.
Coding change: c.229+22C>T on transcript NM_017491.5 (MANE Select); 22 bases into the intron after coding-DNA position 229, C replaced by T.
Molecular consequence: intron variant.
Genome position (GRCh38, 1-based): chr4:10,103,874, G>A on the plus strand (C>T on the coding strand, the complement: WDR1 is on the minus strand). VCF-style: chr4-10103874-G-A. GRCh37 (hg19) VCF-style: chr4-10105498-G-A.
Other names: c.138+12239C>T (NM_005112.5).
Identifiers: ClinVar variation 4850979 (VCV004850979.1).